The following is an entry in ClinVar:

ClinVar aggregate classification (germline): Uncertain significance (1 of 4 stars; one submission).

Conditions:
Hereditary cancer-predisposing syndrome. Also called: Hereditary neoplastic syndrome; Neoplastic Syndromes, Hereditary; Tumor predisposition; Hereditary Cancer Syndrome. Identifiers: Orphanet 140162, MedGen C0027672, MeSH D009386, MONDO:0015356.

Submission:

Ambry Genetics
Classification: Uncertain significance for Hereditary cancer-predisposing syndrome. Last evaluated: 2024-12-20. Review status: criteria provided, single submitter. Criteria: Ambry Variant Classification Scheme 2023. Collection method: clinical testing. Allele origin: germline.
Comment: The p.L7I variant (also known as c.19C>A), located in coding exon 1 of the EPCAM gene, results from a C to A substitution at nucleotide position 19. The leucine at codon 7 is replaced by isoleucine, an amino acid with highly similar properties. This amino acid position is conserved. In addition, this alteration is predicted to be tolerated by in silico analysis. Based on the available evidence, the clinical significance of this variant remains unclear.

NM_002354.3(EPCAM):c.19C>A (p.Leu7Ile)

Gene: EPCAM (epithelial cell adhesion molecule; plus strand). Cytogenetic location: 2p21.
Variant type: single nucleotide variant.
Coding change: c.19C>A on transcript NM_002354.3 (MANE Select); coding-DNA position 19, C replaced by A.
Protein change: p.Leu7Ile; replaces leucine 7 with isoleucine.
Molecular consequence: missense variant.
Genome position (GRCh38, 1-based): chr2:47,369,524, C>A. VCF-style: chr2-47369524-C-A. GRCh37 (hg19) VCF-style: chr2-47596663-C-A.
Other names: short protein forms L7I.
Identifiers: ClinVar variation 3845286 (VCV003845286.1).